The following is an entry in ClinVar:

ClinVar aggregate classification (germline): Uncertain significance. Review status: criteria provided, multiple submitters, no conflicts (2 of 4 stars). 2 submissions from 2 submitters: Uncertain significance (2). Last evaluated 2021-09-02.

Conditions:
Cardiovascular phenotype. Identifiers: MedGen CN230736.
Catecholaminergic polymorphic ventricular tachycardia 1. Also called: VENTRICULAR TACHYCARDIA, CATECHOLAMINERGIC POLYMORPHIC, 1, WITH OR WITHOUT ATRIAL DYSFUNCTION AND/OR DILATED CARDIOMYOPATHY; VENTRICULAR TACHYCARDIA, STRESS-INDUCED POLYMORPHIC 1; RYR2-Related Catecholaminergic Polymorphic Ventricular Tachycardia. Identifiers: Orphanet 3286, MedGen C1631597, MONDO:0011484, OMIM 604772.

Allele frequency attached by ClinVar (database versions not stated): gnomAD exomes below 0.00001; TOPMed below 0.00001; gnomAD 0.00001.
gnomAD v4.1: 4 of 1,610,192 alleles (0.00025%); highest among the groups gnomAD compares: Non-Finnish European, 0.000085%; no homozygotes.

Submissions (2):

Labcorp Genetics (formerly Invitae), Labcorp
Classification: Uncertain significance for Catecholaminergic polymorphic ventricular tachycardia 1. Last evaluated: 2021-09-02. Review status: criteria provided, single submitter. Criteria: Invitae Variant Classification Sherloc (09022015). Collection method: clinical testing. Allele origin: germline.
Comment: This sequence change falls in intron 38 of the TRDN gene. It does not directly change the encoded amino acid sequence of the TRDN protein. It affects a nucleotide within the consensus splice site of the intron. This variant is not present in population databases (ExAC no frequency). This variant has not been reported in the literature in individuals affected with TRDN-related conditions. Variants that disrupt the consensus splice site are a relatively common cause of aberrant splicing (PMID: 17576681, 9536098). Algorithms developed to predict the effect of sequence changes on RNA splicing suggest that this variant is not likely to affect RNA splicing. In summary, the available evidence is currently insufficient to determine the role of this variant in disease. Therefore, it has been classified as a Variant of Uncertain Significance.

Ambry Genetics
Classification: Uncertain significance for Cardiovascular phenotype. Last evaluated: 2019-08-12. Review status: criteria provided, single submitter. Criteria: Ambry Variant Classification Scheme 2023. Collection method: clinical testing. Allele origin: germline.
Comment: The c.1976-3T>C intronic variant results from a T to C substitution 3 nucleotides upstream from coding exon 39 in the TRDN gene. This nucleotide position is well conserved in available vertebrate species. Using the BDGP and ESEfinder splice site prediction tools, this alteration is not predicted to have any significant effect on this splice acceptor/donor site; however, direct evidence is unavailable. Since supporting evidence is limited at this time, the clinical significance of this alteration remains unclear.

Literature cited by the submitters: PubMed 17576681 (cited by Labcorp Genetics (formerly Invitae), Labcorp); PubMed 9536098 (cited by Labcorp Genetics (formerly Invitae), Labcorp).

NM_006073.4(TRDN):c.1976-3T>C

Gene: TRDN (triadin; minus strand). Cytogenetic location: 6q22.31.
Variant type: single nucleotide variant.
Coding change: c.1976-3T>C on transcript NM_006073.4 (MANE Select); 3 bases into the intron before coding-DNA position 1976, T replaced by C.
Molecular consequence: intron variant.
Genome position (GRCh38, 1-based): chr6:123,224,134, A>G on the plus strand (T>C on the coding strand, the complement: TRDN is on the minus strand). VCF-style: chr6-123224134-A-G. GRCh37 (hg19) VCF-style: chr6-123545279-A-G.
Identifiers: ClinVar variation 840858 (VCV000840858.9), dbSNP rs934486291, ClinGen allele CA147202235.